The following is an entry in ClinVar:

ClinVar aggregate classification (germline): Uncertain significance (1 of 4 stars; one submission).

Submission:

GeneDx
Classification: Uncertain significance. Last evaluated: 2019-10-10. Review status: criteria provided, single submitter. Criteria: GeneDx Variant Classification Process June 2021. Collection method: clinical testing. Allele origin: germline. Affected: yes.
Comment: Not observed in large population cohorts (Lek et al., 2016); In silico analysis, which includes protein predictors and evolutionary conservation, supports that this variant does not alter protein structure/function; Has not been previously published as pathogenic or benign to our knowledge

NM_004519.4(KCNQ3):c.1721C>G (p.Pro574Arg)

Gene: KCNQ3 (potassium voltage-gated channel subfamily Q member 3; minus strand). Cytogenetic location: 8q24.22.
Variant type: single nucleotide variant.
Coding change: c.1721C>G on transcript NM_004519.4 (MANE Select); coding-DNA position 1721, C replaced by G.
Protein change: p.Pro574Arg; replaces proline 574 with arginine.
Molecular consequence: missense variant.
Genome position (GRCh38, 1-based): chr8:132,134,368, G>C on the plus strand (C>G on the coding strand, the complement: KCNQ3 is on the minus strand). VCF-style: chr8-132134368-G-C. GRCh37 (hg19) VCF-style: chr8-133146615-G-C.
Other names: c.1361C>G, p.Pro454Arg (NM_001204824.2); short protein forms P454R, P574R.
Identifiers: ClinVar variation 1311782 (VCV001311782.2), dbSNP rs2130931673, ClinGen allele CA372218654.
Genomic context (GRCh38, chr8:132,134,368, plus strand): 5'-GGGAAGGTGAATGCTGACCCTTTCTGAGACTTCTTGTGTTTTGGCGTGGAGGGAGGTCCA[G>C]GGGTGAAAATCATATCTATTCTGAAAGAAACAAACAGAGCAGGGATTAAATTACACAGAG-3'
Protein context (NP_004510.1, residues 564-584): LQTRIDMIFT[Pro574Arg]GPPSTPKHKK